The following is an entry in ClinVar:

NM_003743.5(NCOA1):c.1038T>C (p.Leu346=)

Gene: NCOA1 (nuclear receptor coactivator 1; plus strand). Cytogenetic location: 2p23.3.
Variant type: single nucleotide variant.
Coding change: c.1038T>C on transcript NM_003743.5 (MANE Select); coding-DNA position 1038, T replaced by C.
Protein change: p.Leu346=; no amino-acid change (leucine 346 retained).
Molecular consequence: synonymous variant.
Genome position (GRCh38, 1-based): chr2:24,705,174, T>C. VCF-style: chr2-24705174-T-C. GRCh37 (hg19) VCF-style: chr2-24928043-T-C.
Other names: c.1038T>C, p.Leu346= (NM_001362950.1, NM_001362952.1, NM_001362954.1 and 3 more transcripts).
Identifiers: ClinVar variation 3354043 (VCV003354043.1).

ClinVar aggregate classification (germline): Likely benign (0 of 4 stars; one submission).

Conditions:
NCOA1-related disorder. Also called: NCOA1-related condition.

gnomAD v4.1: 1 of 1,614,066 alleles (0.000062%); highest among the groups gnomAD compares: African/African-American, 0.0013%; no homozygotes.

Submission:

PreventionGenetics, part of Exact Sciences
Classification: Likely benign for NCOA1-related condition. Last evaluated: 2022-12-13. Review status: no assertion criteria provided. Collection method: clinical testing. Allele origin: germline.
Comment: This variant is classified as likely benign based on ACMG/AMP sequence variant interpretation guidelines (Richards et al. 2015 PMID: 25741868, with internal and published modifications).